The following is an entry in ClinVar:

NM_000540.3(RYR1):c.8556A>T (p.Arg2852=)

Genes: RYR1 (ryanodine receptor 1; plus strand), LOC126862902 (BRD4-independent group 4 enhancer GRCh37_chr19:38995830-38997029; plus strand). Cytogenetic location: 19q13.2.
Variant type: single nucleotide variant.
Coding change: c.8556A>T on transcript NM_000540.3 (MANE Select); coding-DNA position 8556, A replaced by T.
Protein change: p.Arg2852=; no amino-acid change (arginine 2852 retained).
Molecular consequence: synonymous variant.
Genome position (GRCh38, 1-based): chr19:38,506,317, A>T. VCF-style: chr19-38506317-A-T. GRCh37 (hg19) VCF-style: chr19-38996957-A-T.
Other names: c.8556A>T, p.Arg2852= (NM_001042723.2).
Identifiers: ClinVar variation 2867617 (VCV002867617.5), dbSNP rs2514365738, ClinGen allele CA507245230.

ClinVar aggregate classification (germline): Conflicting classifications of pathogenicity. Review status: criteria provided, conflicting classifications (1 of 4 stars). 3 submissions from 3 submitters: Uncertain significance (1); Likely benign (2). Last evaluated 2025-07-14.

Conditions:
Malignant hyperthermia, susceptibility to, 1 (MHS1). Also called: Anesthesia related hyperthermia; Malignant hyperpyrexia; Fulminating hyperpyrexia; Pharmacogenic myopathy; Malignant hyperthermia suceptibility 1; RYR1-Related Malignant Hyperthermia Susceptibility. Identifiers: Orphanet 423, MedGen C2930980, MONDO:0007783, OMIM 145600.
RYR1-related disorder. Also called: RYR1-related condition; RYR1-related disorders. Identifiers: MedGen CN239331.

Allele frequency attached by ClinVar (database versions not stated): gnomAD exomes below 0.00001.
gnomAD v4.1: 1 of 1,613,728 alleles (0.000062%); highest among the groups gnomAD compares: Non-Finnish European, 0.000085%; no homozygotes.

Submissions (3):

Labcorp Genetics (formerly Invitae), Labcorp
Classification: Likely benign for RYR1-related disorder. Last evaluated: 2025-07-14. Review status: criteria provided, single submitter. Criteria: Invitae Variant Classification Sherloc (09022015). Collection method: clinical testing. Allele origin: germline.

Color Diagnostics, LLC DBA Color Health
Classification: Likely benign for Malignant hyperthermia, susceptibility to, 1. Last evaluated: 2025-07-07. Review status: criteria provided, single submitter. Criteria: ACMG Guidelines, 2015. Collection method: clinical testing. Allele origin: germline.

All of Us Research Program, National Institutes of Health
Classification: Uncertain significance for Malignant hyperthermia, susceptibility to, 1. Last evaluated: 2023-06-26. Review status: criteria provided, single submitter. Criteria: ACMG Guidelines, 2015. Collection method: clinical testing. Allele origin: germline. Inheritance: Autosomal dominant inheritance. Observed: 1 variant allele, 1 heterozygote.
Comment: This variant is located in the RYR1 protein. To our knowledge, functional studies have not been reported for this variant. This variant has not been reported in individuals affected with RYR1-related disorders in the literature. This variant has not been identified in the general population by the Genome Aggregation Database (gnomAD). The available evidence is insufficient to determine the role of this variant in disease conclusively. Therefore, this variant is classified as a Variant of Uncertain Significance.

This study involves interpretation of variants in research participants for the purpose of population health screening. Participant phenotype was not available at the time of variant classification. Additional details can be found in publication PMID: 35346344, PMCID: PMC8962531